The following is an entry in ClinVar:

ClinVar aggregate classification (germline): Conflicting classifications of pathogenicity. Review status: criteria provided, conflicting classifications (1 of 4 stars). 8 submissions from 8 submitters: Uncertain significance (1); Likely benign (6). 1 of the submissions does not count toward it. Last evaluated 2026-01-20.

Conditions:
CDH23-related disorder. Also called: CDH23-related condition; CDH23-related disorders.
Usher syndrome type 1 (USH1). Also called: RETINITIS PIGMENTOSA AND CONGENITAL DEAFNESS. Identifiers: Orphanet 231169, Orphanet 886, MedGen C1568247, MONDO:0010168, OMIM 276900.

Allele frequency attached by ClinVar (database versions not stated): gnomAD exomes 0.00009 and 0.00015; ExAC 0.00017; gnomAD 0.00027 and 0.00028; TOPMed 0.00036; ESP Exome Variant Server 0.00047; 1000 Genomes Project 0.00060; 1000 Genomes Project 30x 0.00062.
gnomAD v4.1: 169 of 1,612,168 alleles (0.01%); highest among the groups gnomAD compares: African/African-American, 0.1%; no homozygotes.

Submissions (8):

Labcorp Genetics (formerly Invitae), Labcorp
Classification: Likely benign. Last evaluated: 2026-01-20. Review status: criteria provided, single submitter. Criteria: Invitae Variant Classification Sherloc (09022015). Collection method: clinical testing. Allele origin: germline.

Women's Health and Genetics/Laboratory Corporation of America, LabCorp
Classification: Likely benign. Last evaluated: 2025-11-14. Review status: criteria provided, single submitter. Criteria: LabCorp Variant Classification Summary - May 2015. Collection method: clinical testing. Allele origin: germline.

PreventionGenetics, part of Exact Sciences
Classification: Likely benign for CDH23-related condition. Last evaluated: 2025-01-16. Review status: criteria provided, single submitter. Criteria: ACMG Guidelines, 2015. Collection method: clinical testing. Allele origin: germline.
Comment: This variant is classified as likely benign based on ACMG/AMP sequence variant interpretation guidelines (Richards et al. 2015 PMID: 25741868, with internal and published modifications).

Blueprint Genetics
Classification: Likely benign. Last evaluated: 2024-11-14. Review status: criteria provided, single submitter. Criteria: ACMG Guidelines, 2015. Collection method: clinical testing. Allele origin: germline.

GeneDx
Classification: Likely benign. Last evaluated: 2021-01-06. Review status: criteria provided, single submitter. Criteria: GeneDx Variant Classification Process June 2021. Collection method: clinical testing. Allele origin: germline. Affected: yes.

Eurofins Ntd Llc (ga)
Classification: Uncertain significance. Last evaluated: 2017-01-18. Review status: criteria provided, single submitter. Criteria: EGL Classification Definitions 2015. Collection method: clinical testing. Allele origin: germline. Observed: 1 variant allele, 1 heterozygote.

Laboratory for Molecular Medicine, Mass General Brigham Personalized Medicine
Classification: Likely benign. Last evaluated: 2012-04-30. Review status: criteria provided, single submitter. Criteria: LMM Criteria. Collection method: clinical testing. Allele origin: germline. Observed: 1 variant allele.
Comment: Asn2962Asn in Exon 61 of CDH23: This variant is not expected to have clinical si gnificance because it does not alter an amino acid residue, is not located withi n the splice consensus sequence, and has been identified in 0.1% (4/3592) of Afr ican American chromosomes from a broad population by the NHLBI Exome Sequencing Project.

Natera, Inc.
Classification: Uncertain significance for Usher syndrome type 1. Last evaluated: 2020-04-17. Review status: no assertion criteria provided. Collection method: clinical testing. Allele origin: germline. Not counted in ClinVar's aggregate classification.

NM_022124.6(CDH23):c.8886C>T (p.Asn2962=)

Gene: CDH23 (cadherin related 23; plus strand). Cytogenetic location: 10q22.1.
Variant type: single nucleotide variant.
Coding change: c.8886C>T on transcript NM_022124.6 (MANE Select); coding-DNA position 8886, C replaced by T.
Protein change: p.Asn2962=; no amino-acid change (asparagine 2962 retained).
Molecular consequence: synonymous variant.
Genome position (GRCh38, 1-based): chr10:71,809,983, C>T. VCF-style: chr10-71809983-C-T. GRCh37 (hg19) VCF-style: chr10-73569740-C-T.
Other names: c.2166C>T, p.Asn722= (NM_001171933.1, NM_001171934.1).
Identifiers: ClinVar variation 162949 (VCV000162949.25), dbSNP rs376881824, ClinGen allele CA175528.